The following is an entry in ClinVar:

ClinVar aggregate classification (germline): Uncertain significance (1 of 4 stars; one submission).

Conditions:
Colorectal cancer, hereditary nonpolyposis, type 7. Identifiers: Orphanet 144, MedGen C1858380, MONDO:0013725, OMIM 614385.

Submission:

Labcorp Genetics (formerly Invitae), Labcorp
Classification: Uncertain significance for Colorectal cancer, hereditary nonpolyposis, type 7. Last evaluated: 2019-03-05. Review status: criteria provided, single submitter. Criteria: Invitae Variant Classification Sherloc (09022015). Collection method: clinical testing. Allele origin: germline.
Comment: In summary, the available evidence is currently insufficient to determine the role of this variant in disease. Therefore, it has been classified as a Variant of Uncertain Significance. Algorithms developed to predict the effect of missense changes on protein structure and function output the following: SIFT: "Tolerated"; PolyPhen-2: "Benign"; Align-GVGD: "Class C0". The serine amino acid residue is found in multiple mammalian species, suggesting that this missense change does not adversely affect protein function. These predictions have not been confirmed by published functional studies and their clinical significance is uncertain. This variant has not been reported in the literature in individuals with MLH3-related conditions. This variant is not present in population databases (ExAC no frequency). This sequence change replaces threonine with serine at codon 532 of the MLH3 protein (p.Thr532Ser). The threonine residue is weakly conserved and there is a small physicochemical difference between threonine and serine.

NM_001040108.2(MLH3):c.1595C>G (p.Thr532Ser)

Gene: MLH3 (mutL homolog 3; minus strand). Cytogenetic location: 14q24.3.
Variant type: single nucleotide variant.
Coding change: c.1595C>G on transcript NM_001040108.2 (MANE Select); coding-DNA position 1595, C replaced by G.
Protein change: p.Thr532Ser; replaces threonine 532 with serine.
Molecular consequence: missense variant.
Genome position (GRCh38, 1-based): chr14:75,048,061, G>C on the plus strand (C>G on the coding strand, the complement: MLH3 is on the minus strand). VCF-style: chr14-75048061-G-C. GRCh37 (hg19) VCF-style: chr14-75514764-G-C.
Other names: c.1595C>G, p.Thr532Ser (NM_014381.3); short protein forms T532S.
Identifiers: ClinVar variation 852403 (VCV000852403.9), dbSNP rs1892385402, ClinGen allele CA390444916.